The following is an entry in ClinVar:

NM_000238.4(KCNH2):c.1603G>A (p.Val535Met)

Gene: KCNH2 (potassium voltage-gated channel subfamily H member 2; minus strand). Cytogenetic location: 7q36.1.
Variant type: single nucleotide variant.
Coding change: c.1603G>A on transcript NM_000238.4 (MANE Select); coding-DNA position 1603, G replaced by A.
Protein change: p.Val535Met; replaces valine 535 with methionine.
Molecular consequence: missense variant.
Genome position (GRCh38, 1-based): chr7:150,951,790, C>T on the plus strand (G>A on the coding strand, the complement: KCNH2 is on the minus strand). VCF-style: chr7-150951790-C-T. GRCh37 (hg19) VCF-style: chr7-150648878-C-T.
Other names: c.1603G>A (NM_000238.2); c.583G>A, p.Val195Met (NM_001204798.2, NM_172057.3); c.1315G>A, p.Val439Met (NM_001406753.1, NM_001406756.1); c.1426G>A, p.Val476Met (NM_001406755.1); c.1303G>A, p.Val435Met (NM_001406757.1); c.1603G>A, p.Val535Met (NM_172056.3); short protein forms V195M, V535M, V435M, V439M, V476M.
Identifiers: ClinVar variation 161256 (VCV000161256.15), dbSNP rs375872367, ClinGen allele CA004920.
Genomic context (GRCh38, chr7:150,951,790, plus strand): 5'-ACATGAGCAAGAACAGCACGGCCGCGCCGTACTCTGAGTAGCGATCCAGCTTCCGCGCCA[C>T]GCGCACCAGCCGCAGCAGCCGCGCAGTCTTCAGCAGCCCGATCAGCTGGGGGACAGGGAA-3'
Protein context (NP_000229.1, residues 525-545): KTARLLRLVR[Val535Met]ARKLDRYSEY

ClinVar aggregate classification (germline): Uncertain significance. Review status: criteria provided, multiple submitters, no conflicts (2 of 4 stars). 6 submissions from 6 submitters: Uncertain significance (5). 1 of the submissions does not count toward it. Last evaluated 2025-06-23.

Conditions:
Cardiac arrhythmia. Also called: Cardiac rhythm disease; Arrhythmia. Identifiers: MedGen C0003811, MONDO:0007263, HP:0011675.
Cardiovascular phenotype. Identifiers: MedGen CN230736.
Short QT syndrome type 1. Identifiers: Orphanet 51083, MedGen C1865020, MONDO:0012312, OMIM 609620.
Long QT syndrome 2 (LQT2). Identifiers: Orphanet 101016, Orphanet 768, MedGen C3150943, MONDO:0013367, OMIM 613688.
Long QT syndrome (LQTS). Identifiers: MedGen C0023976, MeSH D008133, MONDO:0002442. Disease mechanism: loss of function. Inheritance: Various modes of inheritance.

Allele frequency attached by ClinVar (database versions not stated): gnomAD exomes below 0.00001; TOPMed below 0.00001; ExAC 0.00001; ESP Exome Variant Server 0.00008.
gnomAD v4.1: 1 of 1,593,258 alleles (0.000063%); highest among the groups gnomAD compares: Non-Finnish European, 0.000086%; no homozygotes.

Submissions (6):

Color Diagnostics, LLC DBA Color Health
Classification: Uncertain significance for Cardiac arrhythmia. Last evaluated: 2025-06-23. Review status: criteria provided, single submitter. Criteria: ACMG Guidelines, 2015. Collection method: clinical testing. Allele origin: germline.
Comment: This missense variant replaces valine with methionine at codon 535 of the KCNH2 protein. This variant is located within the conserved transmembrane S4 (aa 521-541) of the KCNH2 protein. Rare non-truncating variants in this region have been shown to be significantly overrepresented in individuals with long QT syndrome (PMID: 32893267). Computational prediction suggests that this variant may have a deleterious impact on protein structure and function. In vitro studies have shown that this variant causes altered gating kinetics and decreased tail currents (PMID: 22173492). This variant has been reported in two individuals from one family affected with long QT syndrome (PMID: 22173492). This variant has been identified in 1/235948 chromosomes in the general population by the Genome Aggregation Database (gnomAD). The available evidence is insufficient to determine the role of this variant in disease conclusively. Therefore, this variant is classified as a Variant of Uncertain Significance.

Ambry Genetics
Classification: Uncertain significance for Cardiovascular phenotype. Last evaluated: 2025-05-16. Review status: criteria provided, single submitter. Criteria: Ambry Variant Classification Scheme 2023. Collection method: clinical testing. Allele origin: germline.
Comment: The p.V535M variant (also known as c.1603G>A), located in coding exon 7 of the KCNH2 gene, results from a G to A substitution at nucleotide position 1603. The valine at codon 535 is replaced by methionine, an amino acid with highly similar properties. This variant was previously described in a Chinese family, in which the authors reported syncope and QT prolongation (Shao C et al. J. Huazhong Univ Sci Technol Med Sci. 2011;31(6):741-8). In the same study, functional in vitro analyses suggested that this variant may adversely affect the potassium channel, resulting in decreased current and repolarization. This amino acid position is highly conserved in available vertebrate species. In addition, this alteration is predicted to be deleterious by in silico analysis. Based on the available evidence, the clinical significance of this variant remains unclear.

Labcorp Genetics (formerly Invitae), Labcorp
Classification: Uncertain significance for Long QT syndrome. Last evaluated: 2024-03-28. Review status: criteria provided, single submitter. Criteria: Invitae Variant Classification Sherloc (09022015). Collection method: clinical testing. Allele origin: germline.
Comment: This sequence change replaces valine, which is neutral and non-polar, with methionine, which is neutral and non-polar, at codon 535 of the KCNH2 protein (p.Val535Met). The frequency data for this variant in the population databases is considered unreliable, as metrics indicate poor data quality at this position in the gnomAD database. This missense change has been observed in individual(s) with long QT syndrome (PMID: 22173492). ClinVar contains an entry for this variant (Variation ID: 161256). An algorithm developed to predict the effect of missense changes on protein structure and function (PolyPhen-2) suggests that this variant is likely to be disruptive. Experimental studies have shown that this missense change affects KCNH2 function (PMID: 26105569). In summary, the available evidence is currently insufficient to determine the role of this variant in disease. Therefore, it has been classified as a Variant of Uncertain Significance.

Fulgent Genetics
Classification: Uncertain significance for Short QT syndrome type 1; Long QT syndrome 2. Last evaluated: 2021-10-20. Review status: criteria provided, single submitter. Criteria: ACMG Guidelines, 2015. Collection method: clinical testing. Allele origin: unknown.

GeneDx
Classification: Uncertain significance. Last evaluated: 2019-04-15. Review status: criteria provided, single submitter. Criteria: GeneDx Variant Classification Process June 2021. Collection method: clinical testing. Allele origin: germline. Affected: yes.
Comment: In silico analysis, which includes protein predictors and evolutionary conservation, supports a deleterious effect; Not observed in large population cohorts (Lek et al., 2016); Reported in ClinVar but additional evidence is not available (ClinVar Variant ID# 161256; Landrum et al., 2016); This variant is associated with the following publications: (PMID: 25637381, 22173492)

CSER _CC_NCGL, University of Washington
Classification: Uncertain significance for Long QT syndrome 2. Last evaluated: 2014-06-01. Review status: no assertion criteria provided. Collection method: research. Allele origin: germline. Inheritance: Autosomal dominant inheritance. Study: ESP 6500 variant annotation. Not counted in ClinVar's aggregate classification.
Comment: Variants classified for the Actionable exomic incidental findings in 6503 participants: challenges of variant classification manuscript

Literature cited by the submitters: PubMed 22173492 (cited by 3 submitters); PubMed 32893267 (cited by Color Diagnostics, LLC DBA Color Health); PubMed 25637381 (cited by Ambry Genetics); PubMed 26105569 (cited by Labcorp Genetics (formerly Invitae), Labcorp).